The following is an entry in ClinVar:

ClinVar aggregate classification (germline): Conflicting classifications of pathogenicity. Review status: criteria provided, conflicting classifications (1 of 4 stars). 3 submissions from 3 submitters: Likely pathogenic (1); Uncertain significance (2). Last evaluated 2025-05-06.

Conditions:
Inborn genetic diseases. Identifiers: MedGen C0950123, MeSH D030342.
Primary hyperoxaluria type 3. Also called: PH III. Identifiers: Orphanet 416, Orphanet 93600, MedGen C3150878, MONDO:0013327, OMIM 613616. Disease mechanism: loss of function.

Allele frequency attached by ClinVar (database versions not stated): gnomAD exomes 0.00001; ExAC 0.00002; gnomAD 0.00002; TOPMed 0.00004; ESP Exome Variant Server 0.00008.
gnomAD v4.1: 22 of 1,613,786 alleles (0.0014%); highest among the groups gnomAD compares: Admixed American, 0.005%; no homozygotes.

Submissions (3):

Ambry Genetics
Classification: Uncertain significance for Inborn genetic diseases. Last evaluated: 2025-05-06. Review status: criteria provided, single submitter. Criteria: Ambry Variant Classification Scheme 2023. Collection method: clinical testing. Allele origin: germline.

Thalassemia Center, San Luigi University Hospital
Classification: Likely pathogenic for Primary hyperoxaluria type 3. Last evaluated: 2023-10-27. Review status: criteria provided, single submitter. Criteria: ACMG Guidelines, 2015. Collection method: clinical testing. Allele origin: germline. Affected: yes.
Comment: ACMG:PM2 PM3 PP3 PP4

Labcorp Genetics (formerly Invitae), Labcorp
Classification: Uncertain significance. Last evaluated: 2022-07-19. Review status: criteria provided, single submitter. Criteria: Invitae Variant Classification Sherloc (09022015). Collection method: clinical testing. Allele origin: germline.
Comment: This sequence change replaces arginine, which is basic and polar, with histidine, which is basic and polar, at codon 142 of the HOGA1 protein (p.Arg142His). This variant is present in population databases (rs368418234, gnomAD 0.01%). This variant has not been reported in the literature in individuals affected with HOGA1-related conditions. Advanced modeling of protein sequence and biophysical properties (such as structural, functional, and spatial information, amino acid conservation, physicochemical variation, residue mobility, and thermodynamic stability) performed at Invitae indicates that this missense variant is expected to disrupt HOGA1 protein function. In summary, the available evidence is currently insufficient to determine the role of this variant in disease. Therefore, it has been classified as a Variant of Uncertain Significance.

NM_138413.4(HOGA1):c.425G>A (p.Arg142His)

Gene: HOGA1 (4-hydroxy-2-oxoglutarate aldolase 1; plus strand). Cytogenetic location: 10q24.2.
Variant type: single nucleotide variant.
Coding change: c.425G>A on transcript NM_138413.4 (MANE Select); coding-DNA position 425, G replaced by A.
Protein change: p.Arg142His; replaces arginine 142 with histidine.
Molecular consequence: missense variant. On other transcripts: intron variant (1).
Genome position (GRCh38, 1-based): chr10:97,599,173, G>A. VCF-style: chr10-97599173-G-A. GRCh37 (hg19) VCF-style: chr10-99358930-G-A.
Other names: c.212-2684G>A (NM_001134670.2); short protein forms R142H.
Identifiers: ClinVar variation 2067070 (VCV002067070.4), dbSNP rs368418234, ClinGen allele CA5634099.